The following is an entry in ClinVar:

ClinVar aggregate classification (germline): Likely benign (1 of 4 stars; one submission).

Allele frequency attached by ClinVar (database versions not stated): 1000 Genomes Project 30x 0.00016; 1000 Genomes Project 0.00020; gnomAD 0.00021; ExAC 0.00079.
gnomAD v4.1: 577 of 1,614,194 alleles (0.036%); highest among the groups gnomAD compares: South Asian, 0.46%; 8 homozygotes.

Submission:

CeGaT Center for Human Genetics Tuebingen
Classification: Likely benign. Last evaluated: 2022-08-01. Review status: criteria provided, single submitter. Criteria: CeGaT Center For Human Genetics Tuebingen Variant Classification Criteria Version 2. Collection method: clinical testing. Allele origin: germline. Affected: yes. Observed: 1 variant allele.
Comment: LILRB2: BP4, BP7

NM_001080978.4(LILRB2):c.1104A>C (p.Leu368=)

Gene: LILRB2 (leukocyte immunoglobulin like receptor B2; minus strand). Cytogenetic location: 19q13.42.
Variant type: single nucleotide variant.
Coding change: c.1104A>C on transcript NM_001080978.4 (MANE Select); coding-DNA position 1104, A replaced by C.
Protein change: p.Leu368=; no amino-acid change (leucine 368 retained).
Molecular consequence: synonymous variant. On other transcripts: non-coding transcript variant (1).
Genome position (GRCh38, 1-based): chr19:54,278,414, T>G on the plus strand (A>C on the coding strand, the complement: LILRB2 is on the minus strand). VCF-style: chr19-54278414-T-G. GRCh37 (hg19) VCF-style: chr19-54782268-T-G.
Other names: c.1104A>C, p.Leu368= (NM_001278403.3, NM_001278405.2, NM_001278406.2 and 1 more transcripts); c.756A>C, p.Leu252= (NM_001278404.3).
Identifiers: ClinVar variation 2650441 (VCV002650441.24), dbSNP rs530711389, ClinGen allele CA309448596.